The following is an entry in ClinVar:

ClinVar aggregate classification (germline): Pathogenic (1 of 4 stars; one submission).

Conditions:
Early-infantile DEE. Also called: Early infantile epileptic encephalopathy; Early infantile epileptic encephalopathy with suppression bursts; Ohtahara syndrome. Identifiers: Orphanet 1934, MedGen C0393706, MONDO:0800491.

Submission:

Labcorp Genetics (formerly Invitae), Labcorp
Classification: Pathogenic for Early-infantile DEE. Last evaluated: 2023-09-15. Review status: criteria provided, single submitter. Criteria: Invitae Variant Classification Sherloc (09022015). Collection method: clinical testing. Allele origin: germline.
Comment: For these reasons, this variant has been classified as Pathogenic. Algorithms developed to predict the effect of sequence changes on RNA splicing suggest that this variant may disrupt the consensus splice site. Advanced modeling of protein sequence and biophysical properties (such as structural, functional, and spatial information, amino acid conservation, physicochemical variation, residue mobility, and thermodynamic stability) performed at Invitae indicates that this missense variant is expected to disrupt SCN1A protein function. This missense change has been observed in individual(s) with borderline severe myoclonic epilepsy (SMEB) and seizures (PMID: 19783390, 23195492; Invitae). In at least one individual the variant was observed to be de novo. This variant is not present in population databases (gnomAD no frequency). This sequence change replaces glutamic acid, which is acidic and polar, with lysine, which is basic and polar, at codon 1503 of the SCN1A protein (p.Glu1503Lys).

Literature cited by the submitters: PubMed 19783390; PubMed 23195492.

NM_001165963.4(SCN1A):c.4507G>A (p.Glu1503Lys)

Genes: SCN1A (sodium voltage-gated channel alpha subunit 1; minus strand), LOC102724058 (uncharacterized LOC102724058; plus strand). Cytogenetic location: 2q24.3.
Variant type: single nucleotide variant.
Coding change: c.4507G>A on transcript NM_001165963.4 (MANE Select); coding-DNA position 4507, G replaced by A.
Protein change: p.Glu1503Lys; replaces glutamic acid 1503 with lysine.
Molecular consequence: missense variant. On other transcripts: non-coding transcript variant (1).
Genome position (GRCh38, 1-based): chr2:165,996,087, C>T on the plus strand (G>A on the coding strand, the complement: SCN1A is on the minus strand). VCF-style: chr2-165996087-C-T. GRCh37 (hg19) VCF-style: chr2-166852597-C-T.
Other names: c.4420G>A, p.Glu1474Lys (NM_001353960.2); c.2065G>A, p.Glu689Lys (NM_001353961.2); c.4474G>A, p.Glu1492Lys (NM_006920.6, NM_001353949.2, NM_001353950.2 and 2 more transcripts); c.4423G>A, p.Glu1475Lys (NM_001165964.3, NM_001353957.2, NM_001353958.2); c.4507G>A, p.Glu1503Lys (NM_001202435.3, NM_001353948.2); c.4471G>A, p.Glu1491Lys (NM_001353954.2, NM_001353955.2); short protein forms E1474K, E1492K, E1475K, E1503K, E1491K, E689K.
Identifiers: ClinVar variation 2734301 (VCV002734301.3), dbSNP rs1553521533, ClinGen allele CA349048802.